The following is an entry in ClinVar:

ClinVar aggregate classification (germline): Uncertain significance (1 of 4 stars; one submission).

Conditions:
Inborn genetic diseases. Identifiers: MedGen C0950123, MeSH D030342.

Submission:

Ambry Genetics
Classification: Uncertain significance for Inborn genetic diseases. Last evaluated: 2026-09-03. Review status: criteria provided, single submitter. Criteria: Ambry Variant Classification Scheme 2023. Collection method: clinical testing. Allele origin: germline.
Comment: The p.N820K variant (also known as c.2460C>A), located in coding exon 14 of the FANCM gene, results from a C to A substitution at nucleotide position 2460. The asparagine at codon 820 is replaced by lysine, an amino acid with similar properties. This amino acid position is conserved. In addition, this alteration is predicted to be tolerated by in silico analysis. Based on the available evidence, the clinical significance of this variant remains unclear.

NM_020937.4(FANCM):c.2460C>A (p.Asn820Lys)

Gene: FANCM (FA complementation group M; plus strand). Cytogenetic location: 14q21.2.
Variant type: single nucleotide variant.
Coding change: c.2460C>A on transcript NM_020937.4 (MANE Select); coding-DNA position 2460, C replaced by A.
Protein change: p.Asn820Lys; replaces asparagine 820 with lysine.
Molecular consequence: missense variant.
Genome position (GRCh38, 1-based): chr14:45,175,214, C>A. VCF-style: chr14-45175214-C-A. GRCh37 (hg19) VCF-style: chr14-45644417-C-A.
Other names: c.2382C>A, p.Asn794Lys (NM_001308133.2); short protein forms N820K, N794K.
Identifiers: ClinVar variation 5021535 (VCV005021535.1).
Genomic context (GRCh38, chr14:45,175,214, plus strand): 5'-ATCTAATAATCTTGCCAGTGACACCTTTATCACTCACAAGAAATCGTCATTTATAAAGAA[C>A]ATAAATCAAGGCAGTTCATCCTCAGTGATAGAATCTGATGAAGAATGTGCTGAAATTGTT-3'
Protein context (NP_065988.1, residues 810-830): ITHKKSSFIK[Asn820Lys]INQGSSSSVI